The following is an entry in ClinVar:

NM_000355.4(TCN2):c.428-2_428-1del

Gene: TCN2 (transcobalamin 2; plus strand). Cytogenetic location: 22q12.2.
Variant type: Deletion.
Coding change: c.428-2_428-1del on transcript NM_000355.4 (MANE Select); the canonical splice acceptor site of the intron before coding-DNA position 428, 2 bases deleted (AG; older notation c.428-2_428-1delAG).
Molecular consequence: splice acceptor variant.
Genome position (GRCh38, 1-based): chr22:30,614,347-30,614,348, AG deleted. VCF-style (leftmost placement, unchanged base first): chr22-30614346-CAG-C. GRCh37 (hg19) VCF-style: chr22-31010333-CAG-C.
Other names: c.347-2_347-1del (NM_001184726.2).
Identifiers: ClinVar variation 658845 (VCV000658845.10), dbSNP rs955351335, ClinGen allele CA16020688.
Genomic context (GRCh38, chr22:30,614,346, plus strand): 5'-GCTGGCGGGGCTGGCTGCTGGGTGGGGGCAGAGAGGCAACCCCTCTGTTTTTTTCCCTCT[CAG>C]GGCATGATCACAAGGGCCACCCCCACACTAGCTACTACCAGTATGGCCTGGGCATTCTGG-3'

ClinVar aggregate classification (germline): Pathogenic/Likely pathogenic. Review status: criteria provided, multiple submitters, no conflicts (2 of 4 stars). 2 submissions from 2 submitters: Pathogenic (1); Likely pathogenic (1). Last evaluated 2025-06-08.

Conditions:
Transcobalamin II deficiency (TCN2D). Also called: Transcolabamin II deficiency; TC II DEFICIENCY; TCN2 DEFICIENCY. Identifiers: Orphanet 859, MedGen C0342701, MONDO:0010149, OMIM 275350.

Allele frequency attached by ClinVar (database versions not stated): gnomAD exomes 0.00001 and 0.00002; TOPMed 0.00004; gnomAD 0.00005.

Submissions (2):

Labcorp Genetics (formerly Invitae), Labcorp
Classification: Pathogenic for Transcobalamin II deficiency. Last evaluated: 2025-06-08. Review status: criteria provided, single submitter. Criteria: Invitae Variant Classification Sherloc (09022015). Collection method: clinical testing. Allele origin: germline.
Comment: This sequence change affects a splice site in intron 3 of the TCN2 gene. It is expected to disrupt RNA splicing. Variants that disrupt the donor or acceptor splice site typically lead to a loss of protein function (PMID: 16199547), and loss-of-function variants in TCN2 are known to be pathogenic (PMID: 7980584, 20352340). This variant is present in population databases (no rsID available, gnomAD 0.006%). Disruption of this splice site has been observed in individual(s) with transcobalamine II deficiency (internal data). In at least one individual the data is consistent with being in trans (on the opposite chromosome) from a pathogenic variant. ClinVar contains an entry for this variant (Variation ID: 658845). Algorithms developed to predict the effect of sequence changes on RNA splicing suggest that this variant may disrupt the consensus splice site. For these reasons, this variant has been classified as Pathogenic.

Juno Genomics, Hangzhou Juno Genomics, Inc
Classification: Likely pathogenic for Transcobalamin II deficiency. Review status: criteria provided, single submitter. Criteria: ACMG Guidelines, 2015. Collection method: clinical testing. Allele origin: germline. Affected: yes.
Comment: Absent from controls (or at extremely low frequency if recessive) in Genome Aggregation Database, Exome Sequencing Project, 1000 Genomes Project, or Exome Aggregation Consortium.;Null variant in a gene where loss of function (LOF) is a known mechanism of disease.;Patient's phenotype or family history is highly specific for a disease with a single genetic etiology.

Literature cited by the submitters: PubMed 16199547 (cited by Labcorp Genetics (formerly Invitae), Labcorp); PubMed 7980584 (cited by Labcorp Genetics (formerly Invitae), Labcorp); PubMed 20352340 (cited by Labcorp Genetics (formerly Invitae), Labcorp).